The following is an entry in ClinVar:

ClinVar aggregate classification (germline): Likely benign. Review status: criteria provided, multiple submitters, no conflicts (2 of 4 stars). 2 submissions from 2 submitters: Likely benign (2). Last evaluated 2026-09-01.

Conditions:
Kufor-Rakeb syndrome (KRS). Also called: PARKINSON DISEASE 9, AUTOSOMAL RECESSIVE, JUVENILE-ONSET. Identifiers: Orphanet 306674, Orphanet 314632, MedGen C1847640, MONDO:0011706, OMIM 606693.
Autosomal recessive spastic paraplegia type 78. Identifiers: Orphanet 513436, MedGen C5567893, MONDO:0014975, OMIM 617225.

Allele frequency attached by ClinVar (database versions not stated): gnomAD exomes below 0.00001; TOPMed below 0.00001; ExAC 0.00001; ESP Exome Variant Server 0.00008.
gnomAD v4.1: 2 of 1,613,386 alleles (0.00012%); highest among the groups gnomAD compares: Non-Finnish European, 0.000085%; no homozygotes.

Submissions (2):

CeGaT Center for Human Genetics Tuebingen
Classification: Likely benign. Last evaluated: 2026-09-01. Review status: criteria provided, single submitter. Criteria: CeGaT Center For Human Genetics Tuebingen Variant Classification Criteria Version 2. Collection method: clinical testing. Allele origin: germline. Affected: yes. Observed: 1 variant allele.
Comment: ATP13A2: BP4, BP7

Labcorp Genetics (formerly Invitae), Labcorp
Classification: Likely benign for Kufor-Rakeb syndrome; Autosomal recessive spastic paraplegia type 78. Last evaluated: 2025-10-02. Review status: criteria provided, single submitter. Criteria: Invitae Variant Classification Sherloc (09022015). Collection method: clinical testing. Allele origin: germline.

NM_022089.4(ATP13A2):c.1041A>T (p.Gly347=)

Gene: ATP13A2 (ATPase cation transporting 13A2; minus strand). Cytogenetic location: 1p36.13.
Variant type: single nucleotide variant.
Coding change: c.1041A>T on transcript NM_022089.4 (MANE Select); coding-DNA position 1041, A replaced by T.
Protein change: p.Gly347=; no amino-acid change (glycine 347 retained).
Molecular consequence: synonymous variant.
Genome position (GRCh38, 1-based): chr1:16,997,174, T>A on the plus strand (A>T on the coding strand, the complement: ATP13A2 is on the minus strand). VCF-style: chr1-16997174-T-A. GRCh37 (hg19) VCF-style: chr1-17323669-T-A.
Other names: c.1026A>T, p.Gly342= (NM_001141973.3, NM_001141974.3).
Identifiers: ClinVar variation 2067427 (VCV002067427.17), dbSNP rs373023100, ClinGen allele CA637384.